The following is an entry in ClinVar:

ClinVar aggregate classification (germline): Uncertain significance (1 of 4 stars; one submission).

Conditions:
Tuberous sclerosis 1 (TSC1). Identifiers: Orphanet 805, MedGen C1854465, MONDO:0008612, OMIM 191100.

Allele frequency attached by ClinVar (database versions not stated): gnomAD exomes below 0.00001.
gnomAD v4.1: 1 of 1,614,110 alleles (0.000062%); highest among the groups gnomAD compares: Non-Finnish European, 0.000085%; no homozygotes.

Submission:

Labcorp Genetics (formerly Invitae), Labcorp
Classification: Uncertain significance for Tuberous sclerosis 1. Last evaluated: 2023-10-29. Review status: criteria provided, single submitter. Criteria: Invitae Variant Classification Sherloc (09022015). Collection method: clinical testing. Allele origin: germline.
Comment: This sequence change replaces leucine, which is neutral and non-polar, with phenylalanine, which is neutral and non-polar, at codon 438 of the TSC1 protein (p.Leu438Phe). This variant is not present in population databases (gnomAD no frequency). This variant has not been reported in the literature in individuals affected with TSC1-related conditions. Advanced modeling of protein sequence and biophysical properties (such as structural, functional, and spatial information, amino acid conservation, physicochemical variation, residue mobility, and thermodynamic stability) performed at Invitae indicates that this missense variant is not expected to disrupt TSC1 protein function with a negative predictive value of 95%. In summary, the available evidence is currently insufficient to determine the role of this variant in disease. Therefore, it has been classified as a Variant of Uncertain Significance.

NM_000368.5(TSC1):c.1312C>T (p.Leu438Phe)

Gene: TSC1 (TSC complex subunit 1; minus strand). Cytogenetic location: 9q34.13.
Variant type: single nucleotide variant.
Coding change: c.1312C>T on transcript NM_000368.5 (MANE Select); coding-DNA position 1312, C replaced by T.
Protein change: p.Leu438Phe; replaces leucine 438 with phenylalanine.
Molecular consequence: missense variant. On other transcripts: non-coding transcript variant (5).
Genome position (GRCh38, 1-based): chr9:132,907,322, G>A on the plus strand (C>T on the coding strand, the complement: TSC1 is on the minus strand). VCF-style: chr9-132907322-G-A. GRCh37 (hg19) VCF-style: chr9-135782709-G-A.
Other names: c.1309C>T, p.Leu437Phe (NM_001406604.1, NM_001162426.2, NM_001406597.1 and 6 more transcripts); c.1312C>T, p.Leu438Phe (NM_001406605.1, NM_001406606.1, NM_001406607.1 and 7 more transcripts); c.949C>T, p.Leu317Phe (NM_001406618.1, NM_001406619.1, NM_001406624.1 and 5 more transcripts); c.946C>T, p.Leu316Phe (NM_001406620.1, NM_001406621.1, NM_001406622.1 and 2 more transcripts); c.361C>T, p.Leu121Phe (NM_001406626.1); c.358C>T, p.Leu120Phe (NM_001406627.1, NM_001406628.1); c.259C>T, p.Leu87Phe (NM_001406629.1, NM_001406630.1); c.1159C>T, p.Leu387Phe (NM_001162427.2, NM_001406610.1); and 1 more; short protein forms L437F, L121F, L386F, L387F, L438F, L317F, L87F, L120F.
Identifiers: ClinVar variation 2772451 (VCV002772451.3), dbSNP rs2131879761, ClinGen allele CA375366119.
Genomic context (GRCh38, chr9:132,907,322, plus strand): 5'-AAGAGGCAAGCAAGGCCTGTAGTAACGCAGAAATTTTACCTGATCCTCTGTCATTCAGAA[G>A]ATGGTGTTGTCTGTGTAGACATGGTCTTGCAGAATCCATTCTCTCTTCCTGAAAAGATAA-3'
Protein context (NP_000359.1, residues 428-448): ARPCLHRQHH[Leu438Phe]LNDRGSEEPP